The following is an entry in ClinVar:

ClinVar aggregate classification (germline): Conflicting classifications of pathogenicity. Review status: criteria provided, conflicting classifications (1 of 4 stars). 5 submissions from 5 submitters: Uncertain significance (1); Likely benign (2). 2 of the submissions do not count toward it. Last evaluated 2025-12-21.

Conditions:
VCAN-related disorder. Also called: VCAN-related condition.
Inborn genetic diseases. Identifiers: MedGen C0950123, MeSH D030342.

Allele frequency attached by ClinVar (database versions not stated): gnomAD exomes 0.00004 and 0.00013; gnomAD 0.00005 and 0.00006; TOPMed 0.00008; ExAC 0.00009; ESP Exome Variant Server 0.00023.
gnomAD v4.1: 76 of 1,614,004 alleles (0.0047%); highest among the groups gnomAD compares: Non-Finnish European, 0.00093%; no homozygotes.

Submissions (5):

Labcorp Genetics (formerly Invitae), Labcorp
Classification: Likely benign. Last evaluated: 2025-12-21. Review status: criteria provided, single submitter. Criteria: Invitae Variant Classification Sherloc (09022015). Collection method: clinical testing. Allele origin: germline.

Ambry Genetics
Classification: Uncertain significance for Inborn genetic diseases. Last evaluated: 2021-07-14. Review status: criteria provided, single submitter. Criteria: Ambry Variant Classification Scheme 2023. Collection method: clinical testing. Allele origin: germline.

Blueprint Genetics
Classification: Likely benign. Last evaluated: 2021-03-05. Review status: criteria provided, single submitter. Criteria: ACMG Guidelines, 2015. Collection method: clinical testing. Allele origin: germline.

PreventionGenetics, part of Exact Sciences
Classification: Likely benign for VCAN-related condition. Last evaluated: 2021-08-11. Review status: no assertion criteria provided. Collection method: clinical testing. Allele origin: germline. Not counted in ClinVar's aggregate classification.
Comment: This variant is classified as likely benign based on ACMG/AMP sequence variant interpretation guidelines (Richards et al. 2015 PMID: 25741868, with internal and published modifications).

Department of Pathology and Laboratory Medicine, Sinai Health System
Classification: Benign. Review status: no assertion criteria provided. Collection method: clinical testing. Allele origin: unknown. Affected: yes. Study: The Canadian Open Genetics Repository (COGR). Not counted in ClinVar's aggregate classification.
Comment: The VCAN p.Ile873Arg variant was not identified in the literature but was identified in dbSNP (ID: rs150395515) and ClinVar (classified as likely benign by Invitae). The variant was identified in control databases in 36 of 281972 chromosomes at a frequency of 0.0001277 (Genome Aggregation Database March 6, 2019, v2.1.1). The variant was observed in the following populations: Ashkenazi Jewish in 31 of 10352 chromosomes (freq: 0.002995), Other in 1 of 7194 chromosomes (freq: 0.000139) and European (non-Finnish) in 4 of 128436 chromosomes (freq: 0.000031), but was not observed in the African, Latino, East Asian, European (Finnish), or South Asian populations. This frequency is greater than expected for autosomal dominant VCAN-Related Vitreoretinopathy (Kloeckener-Gruissem_2016_PMID:20301747). The p.Ile873 residue is not conserved in mammals and four out of five computational analyses (PolyPhen-2, SIFT, AlignGVGD, BLOSUM, MutationTaster) do not suggest a high likelihood of impact to the protein; however, this information is not predictive enough to rule out pathogenicity. The variant occurs outside of the splicing consensus sequence and in silico or computational prediction software programs (SpliceSiteFinder, MaxEntScan, NNSPLICE, GeneSplicer) do not predict a difference in splicing. In summary, based on the above information this variant meets our laboratory's criteria to be classified as benign.

NM_004385.5(VCAN):c.2618T>G (p.Ile873Arg)

Gene: VCAN (versican; plus strand). Cytogenetic location: 5q14.3.
Variant type: single nucleotide variant.
Coding change: c.2618T>G on transcript NM_004385.5 (MANE Select); coding-DNA position 2618, T replaced by G.
Protein change: p.Ile873Arg; replaces isoleucine 873 with arginine.
Molecular consequence: missense variant. On other transcripts: intron variant (2).
Genome position (GRCh38, 1-based): chr5:83,520,924, T>G. VCF-style: chr5-83520924-T-G. GRCh37 (hg19) VCF-style: chr5-82816743-T-G.
Other names: c.2618T>G, p.Ile873Arg (NM_001164098.2); c.1042+8528T>G (NM_001164097.2, NM_001126336.3); short protein forms I873R.
Identifiers: ClinVar variation 765039 (VCV000765039.15), dbSNP rs150395515, ClinGen allele CA3332869.
Genomic context (GRCh38, chr5:83,520,924, plus strand): 5'-AATTTACTCTTATTCCAGATAGTACTCAAAAGCAGTTAGAGGAGGTTACTGATGAAGACA[T>G]AGCAGCCCATGGAAAATTCACAATTAGATTTCAGCCAACTACATCAACTGGTATTGCAGA-3'
Protein context (NP_004376.2, residues 863-883): KQLEEVTDED[Ile873Arg]AAHGKFTIRF